The following is an entry in ClinVar:

NM_001130144.3(LTBP3):c.3281C>T (p.Pro1094Leu)

Gene: LTBP3 (latent transforming growth factor beta binding protein 3; minus strand). Cytogenetic location: 11q13.1.
Variant type: single nucleotide variant.
Coding change: c.3281C>T on transcript NM_001130144.3 (MANE Select); coding-DNA position 3281, C replaced by T.
Protein change: p.Pro1094Leu; replaces proline 1094 with leucine.
Molecular consequence: missense variant. On other transcripts: intron variant (2).
Genome position (GRCh38, 1-based): chr11:65,540,117, G>A on the plus strand (C>T on the coding strand, the complement: LTBP3 is on the minus strand). VCF-style: chr11-65540117-G-A. GRCh37 (hg19) VCF-style: chr11-65307588-G-A.
Other names: c.2893+128C>T (NM_001164266.1); c.3244+128C>T (NM_021070.4); short protein forms P1094L.
Identifiers: ClinVar variation 967568 (VCV000967568.11), dbSNP rs773279346, ClinGen allele CA6100300.
Genomic context (GRCh38, chr11:65,540,117, plus strand): 5'-GGCACCCAGGGCGGGCGACACTCGCAGCGGTAGGAGCCCGGCAGGTTGACGCAGCGGCCA[G>A]GGCGGCAGGCTGCCGGGTCCTGGCACTCGTCCACGTCTACGAACAGCGAGGGGGTGGGTG-3'
Protein context (NP_001123616.1, residues 1084-1104): DECQDPAACR[Pro1094Leu]GRCVNLPGSY

ClinVar aggregate classification (germline): Uncertain significance. Review status: criteria provided, multiple submitters, no conflicts (2 of 4 stars). 4 submissions from 4 submitters: Uncertain significance (4). Last evaluated 2026-01-04.

Conditions:
Inborn genetic diseases. Identifiers: MedGen C0950123, MeSH D030342.
Brachyolmia-amelogenesis imperfecta syndrome. Also called: Tooth agenesis, selective, 6; Dental anomalies and short stature; PLATYSPONDYLY WITH AMELOGENESIS IMPERFECTA. Identifiers: Orphanet 2899, MedGen C1832594, MONDO:0011018, OMIM 601216. Disease mechanism: loss of function.

Allele frequency attached by ClinVar (database versions not stated): ExAC 0.00010; TOPMed 0.00014; gnomAD 0.00017; gnomAD exomes 0.00017 and 0.00018.
gnomAD v4.1: 266 of 1,527,198 alleles (0.017%); highest among the groups gnomAD compares: Middle Eastern, 0.052%; no homozygotes.

Submissions (4):

Labcorp Genetics (formerly Invitae), Labcorp
Classification: Uncertain significance for Brachyolmia-amelogenesis imperfecta syndrome. Last evaluated: 2026-01-04. Review status: criteria provided, single submitter. Criteria: Invitae Variant Classification Sherloc (09022015). Collection method: clinical testing. Allele origin: germline.
Comment: This sequence change replaces proline, which is neutral and non-polar, with leucine, which is neutral and non-polar, at codon 1094 of the LTBP3 protein (p.Pro1094Leu). This variant is present in population databases (rs773279346, gnomAD 0.04%). This variant has not been reported in the literature in individuals affected with LTBP3-related conditions. ClinVar contains an entry for this variant (Variation ID: 967568). An algorithm developed to predict the effect of missense changes on protein structure and function (PolyPhen-2) suggests that this variant is likely to be tolerated. In summary, the available evidence is currently insufficient to determine the role of this variant in disease. Therefore, it has been classified as a Variant of Uncertain Significance.

Blueprint Genetics
Classification: Uncertain significance. Last evaluated: 2024-10-28. Review status: criteria provided, single submitter. Criteria: ACMG Guidelines, 2015. Collection method: clinical testing. Allele origin: germline.

Ambry Genetics
Classification: Uncertain significance for Inborn genetic diseases. Last evaluated: 2021-09-28. Review status: criteria provided, single submitter. Criteria: Ambry Variant Classification Scheme 2023. Collection method: clinical testing. Allele origin: germline.

Breakthrough Genomics
Classification: Uncertain significance. Review status: criteria provided, single submitter. Criteria: ACMG Guidelines, 2015. Collection method: not provided. Allele origin: germline. Inheritance: Autosomal recessive inheritance. Affected: yes.